The following is an entry in ClinVar:

NM_007118.4(TRIO):c.3359A>G (p.Glu1120Gly)

Gene: TRIO (trio Rho guanine nucleotide exchange factor; plus strand). Cytogenetic location: 5p15.2.
Variant type: single nucleotide variant.
Coding change: c.3359A>G on transcript NM_007118.4 (MANE Select); coding-DNA position 3359, A replaced by G.
Protein change: p.Glu1120Gly; replaces glutamic acid 1120 with glycine.
Molecular consequence: missense variant. On other transcripts: non-coding transcript variant (1).
Genome position (GRCh38, 1-based): chr5:14,378,039, A>G. VCF-style: chr5-14378039-A-G. GRCh37 (hg19) VCF-style: chr5-14378148-A-G.
Other names: short protein forms E1120G.
Identifiers: ClinVar variation 985507 (VCV000985507.6), dbSNP rs1745725808, ClinGen allele CA359220232.

ClinVar aggregate classification (germline): Conflicting classifications of pathogenicity. Review status: criteria provided, conflicting classifications (1 of 4 stars). 2 submissions from 2 submitters: Likely pathogenic (1); Uncertain significance (1). Last evaluated 2026-02-12.

Conditions:
Inborn genetic diseases. Identifiers: MedGen C0950123, MeSH D030342.

Submissions (2):

GeneDx
Classification: Likely pathogenic. Last evaluated: 2026-02-12. Review status: criteria provided, single submitter. Criteria: GeneDx Variant Classification Process June 2021. Collection method: clinical testing. Allele origin: germline.
Comment: Not observed at significant frequency in large population cohorts (gnomAD); In silico analysis supports that this missense variant has a deleterious effect on protein structure/function; Has not been previously published as pathogenic or benign to our knowledge; This variant is associated with the following publications: (PMID: 36717740)

Ambry Genetics
Classification: Uncertain significance for Inborn genetic diseases. Last evaluated: 2017-11-13. Review status: criteria provided, single submitter. Criteria: Ambry exome assertion method (8-5-2015). Collection method: clinical testing. Allele origin: germline. Affected: yes. Observed: 1 variant allele.